The following is an entry in ClinVar:

ClinVar aggregate classification (germline): Likely benign. Review status: criteria provided, multiple submitters, no conflicts (2 of 4 stars). 3 submissions from 3 submitters: Likely benign (2). 1 of the submissions does not count toward it. Last evaluated 2026-07-01.

Conditions:
TCTN1-related disorder. Also called: TCTN1-related condition.

Allele frequency attached by ClinVar (database versions not stated): 1000 Genomes Project 30x 0.00062; 1000 Genomes Project 0.00080; TOPMed 0.00173; gnomAD 0.00232; gnomAD exomes 0.00284; ExAC 0.00340.
gnomAD v4.1: 1,566 of 573,914 alleles (0.27%); highest among the groups gnomAD compares: Non-Finnish European, 0.34%; 11 homozygotes.

Submissions (3):

CeGaT Center for Human Genetics Tuebingen
Classification: Likely benign. Last evaluated: 2026-07-01. Review status: criteria provided, single submitter. Criteria: CeGaT Center For Human Genetics Tuebingen Variant Classification Criteria Version 2. Collection method: clinical testing. Allele origin: germline. Affected: yes. Observed: 15 variant alleles.
Comment: TCTN1: BP4, BS2

Blueprint Genetics
Classification: Likely benign. Last evaluated: 2024-11-21. Review status: criteria provided, single submitter. Criteria: ACMG Guidelines, 2015. Collection method: clinical testing. Allele origin: germline.

PreventionGenetics, part of Exact Sciences
Classification: Likely benign for TCTN1-related condition. Last evaluated: 2019-10-30. Review status: no assertion criteria provided. Collection method: clinical testing. Allele origin: germline. Not counted in ClinVar's aggregate classification.
Comment: This variant is classified as likely benign based on ACMG/AMP sequence variant interpretation guidelines (Richards et al. 2015 PMID: 25741868, with internal and published modifications).

NM_001082538.3(TCTN1):c.713-227G>A

Gene: TCTN1 (tectonic family member 1; plus strand). Cytogenetic location: 12q24.11.
Variant type: single nucleotide variant.
Coding change: c.713-227G>A on transcript NM_001082538.3 (MANE Select); 227 bases into the intron before coding-DNA position 713, G replaced by A.
Molecular consequence: intron variant. On other transcripts: missense variant (1).
Genome position (GRCh38, 1-based): chr12:110,634,443, G>A. VCF-style: chr12-110634443-G-A. GRCh37 (hg19) VCF-style: chr12-111072248-G-A.
Other names: c.760G>A (NM_024549.5); c.760G>A, p.Glu254Lys (NM_024549.6); c.545-227G>A (NM_001173975.3); c.533-227G>A (NM_001173976.2); c.179-227G>A (NM_001319681.2); c.713-227G>A (NM_001082537.3, NM_001319680.2); short protein forms E254K.
Identifiers: ClinVar variation 2643289 (VCV002643289.26), dbSNP rs199643775, ClinGen allele CA6786683.